The following is an entry in ClinVar:

NM_017635.5(KMT5B):c.1580C>T (p.Ser527Leu)

Gene: KMT5B (lysine methyltransferase 5B; minus strand). Cytogenetic location: 11q13.2.
Variant type: single nucleotide variant.
Coding change: c.1580C>T on transcript NM_017635.5 (MANE Select); coding-DNA position 1580, C replaced by T.
Protein change: p.Ser527Leu; replaces serine 527 with leucine.
Molecular consequence: missense variant.
Genome position (GRCh38, 1-based): chr11:68,158,766, G>A on the plus strand (C>T on the coding strand, the complement: KMT5B is on the minus strand). VCF-style: chr11-68158766-G-A. GRCh37 (hg19) VCF-style: chr11-67926233-G-A.
Other names: c.1064C>T, p.Ser355Leu (NM_001300907.1, NM_001369428.1, NM_001369429.1 and 4 more transcripts); c.860C>T, p.Ser287Leu (NM_001300908.2); c.1580C>T, p.Ser527Leu (NM_001369426.1); c.1580C>T (NM_017635.4); short protein forms S287L, S355L, S527L.
Identifiers: ClinVar variation 1711321 (VCV001711321.31), dbSNP rs146143706, ClinGen allele CA6148160.

ClinVar aggregate classification (germline): Benign/Likely benign. Review status: criteria provided, multiple submitters, no conflicts (2 of 4 stars). 2 submissions from 2 submitters: Benign (1); Likely benign (1). Last evaluated 2025-12-08.

Conditions:
KMT5B-related disorder. Also called: KMT5B-related condition.

Allele frequency attached by ClinVar (database versions not stated): gnomAD 0.00034; ESP Exome Variant Server 0.00038; TOPMed 0.00049; 1000 Genomes Project 30x 0.00078; 1000 Genomes Project 0.00080.
gnomAD v4.1: 405 of 1,614,142 alleles (0.025%); highest among the groups gnomAD compares: African/African-American, 0.068%; no homozygotes.

Submissions (2):

PreventionGenetics, part of Exact Sciences
Classification: Likely benign for KMT5B-related condition. Last evaluated: 2025-12-08. Review status: criteria provided, single submitter. Criteria: ACMG Guidelines, 2015. Collection method: clinical testing. Allele origin: germline.
Comment: This variant is classified as likely benign based on ACMG/AMP sequence variant interpretation guidelines (Richards et al. 2015 PMID: 25741868, with internal and published modifications).

CeGaT Center for Human Genetics Tuebingen
Classification: Benign. Last evaluated: 2025-11-01. Review status: criteria provided, single submitter. Criteria: CeGaT Center For Human Genetics Tuebingen Variant Classification Criteria Version 2. Collection method: clinical testing. Allele origin: germline. Affected: yes. Observed: 3 variant alleles.
Comment: KMT5B: BP4, BS1, BS2